The following is an entry in ClinVar:

NM_003001.5(SDHC):c.185C>G (p.Ser62Cys)

Gene: SDHC (succinate dehydrogenase complex subunit C; plus strand). Cytogenetic location: 1q23.3.
Variant type: single nucleotide variant.
Coding change: c.185C>G on transcript NM_003001.5 (MANE Select); coding-DNA position 185, C replaced by G.
Protein change: p.Ser62Cys; replaces serine 62 with cysteine.
Molecular consequence: missense variant.
Genome position (GRCh38, 1-based): chr1:161,340,599, C>G. VCF-style: chr1-161340599-C-G. GRCh37 (hg19) VCF-style: chr1-161310389-C-G.
Other names: c.185C>G, p.Ser62Cys (NM_001035511.3); c.83C>G, p.Ser28Cys (NM_001035512.3, NM_001278172.3, NM_001407118.1); c.26C>G, p.Ser9Cys (NM_001035513.3); c.305C>G, p.Ser102Cys (NM_001407115.1); c.128C>G, p.Ser43Cys (NM_001407116.1, NM_001407117.1, NM_001407121.1); c.74C>G, p.Ser25Cys (NM_001407119.1, NM_001407120.1); short protein forms S62C, S9C, S28C, S43C, S102C, S25C.
Identifiers: ClinVar variation 581535 (VCV000581535.10), dbSNP rs1558174466, ClinGen allele CA343365664.

ClinVar aggregate classification (germline): Uncertain significance (1 of 4 stars; one submission).

Conditions:
Gastrointestinal stromal tumor. Also called: Gastrointestinal stromal tumor, somatic; Gastrointestinal stroma tumor. Identifiers: Orphanet 44890, MedGen C0238198, MeSH D046152, MONDO:0011719, OMIM 606764, HP:0100723.
Pheochromocytoma/paraganglioma syndrome 3. Also called: SDHC-Related Hereditary Paraganglioma-Pheochromocytoma Syndrome (Paragangliomas 3); SDHC-Related Hereditary Paraganglioma-Pheochromocytoma Syndrome; Paragangliomas 3; GLOMUS TUMORS, FAMILIAL, 3. Identifiers: Orphanet 29072, MedGen C1854336, MONDO:0011544, OMIM 605373.

Submission:

Labcorp Genetics (formerly Invitae), Labcorp
Classification: Uncertain significance for Pheochromocytoma/paraganglioma syndrome 3; Gastrointestinal stromal tumor. Last evaluated: 2021-08-04. Review status: criteria provided, single submitter. Criteria: Invitae Variant Classification Sherloc (09022015). Collection method: clinical testing. Allele origin: germline.
Comment: This sequence change replaces serine with cysteine at codon 62 of the SDHC protein (p.Ser62Cys). The serine residue is highly conserved and there is a moderate physicochemical difference between serine and cysteine. This variant is not present in population databases (ExAC no frequency). This variant has not been reported in the literature in individuals with SDHC-related disease. Algorithms developed to predict the effect of missense changes on protein structure and function do not agree on the potential impact of this missense change (SIFT: "Deleterious"; PolyPhen-2: "Probably Damaging"; Align-GVGD: "Class C0"). In summary, the available evidence is currently insufficient to determine the role of this variant in disease. Therefore, it has been classified as a Variant of Uncertain Significance.